The following is an entry in ClinVar:

NM_000138.5(FBN1):c.1313C>T (p.Ser438Phe)

Gene: FBN1 (fibrillin 1; minus strand). Cytogenetic location: 15q21.1.
Variant type: single nucleotide variant.
Coding change: c.1313C>T on transcript NM_000138.5 (MANE Select); coding-DNA position 1313, C replaced by T.
Protein change: p.Ser438Phe; replaces serine 438 with phenylalanine.
Molecular consequence: missense variant.
Genome position (GRCh38, 1-based): chr15:48,516,197, G>A on the plus strand (C>T on the coding strand, the complement: FBN1 is on the minus strand). VCF-style: chr15-48516197-G-A. GRCh37 (hg19) VCF-style: chr15-48808394-G-A.
Other names: short protein forms S438F.
Identifiers: ClinVar variation 979124 (VCV000979124.4), dbSNP rs2043799037, ClinGen allele CA392345200.

ClinVar aggregate classification (germline): Uncertain significance. Review status: criteria provided, multiple submitters, no conflicts (2 of 4 stars). 2 submissions from 2 submitters: Uncertain significance (2). Last evaluated 2023-08-05.

Conditions:
Marfan syndrome (MFS). Also called: FBN1-Related Marfan Syndrome; MARFAN SYNDROME, TYPE I; Marfan syndrome type 1; Marfan's syndrome; Marfan syndrome, classic. Identifiers: Orphanet 284963, Orphanet 558, MedGen C0024796, MONDO:0007947, OMIM 154700.
Familial thoracic aortic aneurysm and aortic dissection (TAAD). Also called: Thoracic aortic aneurysms and dissections. Identifiers: Orphanet 91387, MedGen C4707243, MONDO:0019625.

Allele frequency attached by ClinVar (database versions not stated): gnomAD exomes below 0.00001.
gnomAD v4.1: 2 of 1,613,652 alleles (0.00012%); highest among the groups gnomAD compares: Middle Eastern, 0.017%; no homozygotes.

Submissions (2):

Labcorp Genetics (formerly Invitae), Labcorp
Classification: Uncertain significance for Marfan syndrome; Familial thoracic aortic aneurysm and aortic dissection. Last evaluated: 2023-08-05. Review status: criteria provided, single submitter. Criteria: Invitae Variant Classification Sherloc (09022015). Collection method: clinical testing. Allele origin: germline.
Comment: This sequence change replaces serine, which is neutral and polar, with phenylalanine, which is neutral and non-polar, at codon 438 of the FBN1 protein (p.Ser438Phe). This variant is not present in population databases (gnomAD no frequency). This variant has not been reported in the literature in individuals affected with FBN1-related conditions. ClinVar contains an entry for this variant (Variation ID: 979124). Advanced modeling of protein sequence and biophysical properties (such as structural, functional, and spatial information, amino acid conservation, physicochemical variation, residue mobility, and thermodynamic stability) performed at Invitae indicates that this missense variant is not expected to disrupt FBN1 protein function. In summary, the available evidence is currently insufficient to determine the role of this variant in disease. Therefore, it has been classified as a Variant of Uncertain Significance.

Human Genome Sequencing Center Clinical Lab, Baylor College of Medicine
Classification: Uncertain significance for Marfan syndrome. Review status: criteria provided, single submitter. Criteria: ACMG Guidelines, 2015. Collection method: clinical testing. Allele origin: germline.